The following is an entry in ClinVar:

ClinVar aggregate classification (germline): Uncertain significance. Review status: criteria provided, multiple submitters, no conflicts (2 of 4 stars). 2 submissions from 2 submitters: Uncertain significance (2). Last evaluated 2025-10-30.

Conditions:
Hereditary cancer-predisposing syndrome. Also called: Neoplastic Syndromes, Hereditary; Tumor predisposition; Hereditary Cancer Syndrome; Hereditary neoplastic syndrome. Identifiers: Orphanet 140162, MedGen C0027672, MeSH D009386, MONDO:0015356.
Ataxia-telangiectasia-like disorder (ATLD). Identifiers: MedGen C1858391, MONDO:0011457.

Allele frequency attached by ClinVar (database versions not stated): ExAC 0.00001; gnomAD 0.00001; gnomAD exomes 0.00001.

Submissions (2):

Ambry Genetics
Classification: Uncertain significance for Hereditary cancer-predisposing syndrome. Last evaluated: 2025-10-30. Review status: criteria provided, single submitter. Criteria: Ambry Variant Classification Scheme 2023. Collection method: clinical testing. Allele origin: germline.
Comment: The p.M546T variant (also known as c.1637T>C), located in coding exon 14 of the MRE11A gene, results from a T to C substitution at nucleotide position 1637. The methionine at codon 546 is replaced by threonine, an amino acid with similar properties. This amino acid position is well conserved in available vertebrate species. In addition, this alteration is predicted to be tolerated by in silico analysis. Since supporting evidence is limited at this time, the clinical significance of this alteration remains unclear.

Labcorp Genetics (formerly Invitae), Labcorp
Classification: Uncertain significance for Ataxia-telangiectasia-like disorder. Last evaluated: 2025-01-26. Review status: criteria provided, single submitter. Criteria: Invitae Variant Classification Sherloc (09022015). Collection method: clinical testing. Allele origin: germline.
Comment: This sequence change replaces methionine, which is neutral and non-polar, with threonine, which is neutral and polar, at codon 546 of the MRE11 protein (p.Met546Thr). This variant is present in population databases (rs763602040, gnomAD 0.006%). This variant has not been reported in the literature in individuals affected with MRE11-related conditions. ClinVar contains an entry for this variant (Variation ID: 483618). An algorithm developed to predict the effect of missense changes on protein structure and function (PolyPhen-2) suggests that this variant is likely to be tolerated. In summary, the available evidence is currently insufficient to determine the role of this variant in disease. Therefore, it has been classified as a Variant of Uncertain Significance.

NM_005591.4(MRE11):c.1637T>C (p.Met546Thr)

Gene: MRE11 (MRE11 double strand break repair nuclease; minus strand). Cytogenetic location: 11q21.
Variant type: single nucleotide variant.
Coding change: c.1637T>C on transcript NM_005591.4 (MANE Select); coding-DNA position 1637, T replaced by C.
Protein change: p.Met546Thr; replaces methionine 546 with threonine.
Molecular consequence: missense variant.
Genome position (GRCh38, 1-based): chr11:94,447,365, A>G on the plus strand (T>C on the coding strand, the complement: MRE11 is on the minus strand). VCF-style: chr11-94447365-A-G. GRCh37 (hg19) VCF-style: chr11-94180531-A-G.
Other names: c.1637T>C, p.Met546Thr (NM_001330347.2, NM_005590.4); short protein forms M546T.
Identifiers: ClinVar variation 483618 (VCV000483618.8), dbSNP rs763602040, ClinGen allele CA6235015.
Genomic context (GRCh38, chr11:94,447,365, plus strand): 5'-GTTGCTGCTGAGATGCTATCATCAGAGTCATTAGCCATCTGTTCTGCTAAATCTATACTC[A>G]TAAGGTCATCAGCACTAAAGGCAGAAGCAGACTCCTCTGACTGAGATCTGAGTGCTCTGG-3'
Protein context (NP_005582.1, residues 536-556): SASAFSADDL[Met546Thr]SIDLAEQMAN